The following is an entry in ClinVar:

ClinVar aggregate classification (germline): Uncertain significance. Review status: criteria provided, multiple submitters, no conflicts (2 of 4 stars). 2 submissions from 2 submitters: Uncertain significance (2). Last evaluated 2021-09-02.

Conditions:
Autosomal recessive distal spinal muscular atrophy 1. Also called: HMN VI; NEURONOPATHY, SEVERE INFANTILE AXONAL, WITH RESPIRATORY FAILURE; SEVERE INFANTILE AXONAL NEUROPATHY WITH RESPIRATORY FAILURE; SPINAL MUSCULAR ATROPHY, DIAPHRAGMATIC; Spinal muscular atrophy with respiratory distress 1; NEURONOPATHY, DISTAL HEREDITARY MOTOR, HARDING TYPE VI. Identifiers: Orphanet 98920, MedGen C1858517, MONDO:0011436, OMIM 604320.
Charcot-Marie-Tooth disease axonal type 2S. Also called: CHARCOT-MARIE-TOOTH DISEASE, AXONAL, AUTOSOMAL RECESSIVE, TYPE 2S; CHARCOT-MARIE-TOOTH NEUROPATHY, TYPE 2S. Identifiers: Orphanet 443073, MedGen C4015349, MONDO:0014511, OMIM 616155.
Inborn genetic diseases. Identifiers: MedGen C0950123, MeSH D030342.

Allele frequency attached by ClinVar (database versions not stated): ExAC 0.00001; gnomAD 0.00001; gnomAD exomes 0.00001 and 0.00002; TOPMed 0.00003.
gnomAD v4.1: 14 of 1,612,138 alleles (0.00087%); highest among the groups gnomAD compares: Admixed American, 0.013%; no homozygotes.

Submissions (2):

Labcorp Genetics (formerly Invitae), Labcorp
Classification: Uncertain significance for Autosomal recessive distal spinal muscular atrophy 1; Charcot-Marie-Tooth disease axonal type 2S. Last evaluated: 2021-09-02. Review status: criteria provided, single submitter. Criteria: Invitae Variant Classification Sherloc (09022015). Collection method: clinical testing. Allele origin: germline.
Comment: This sequence change replaces asparagine with histidine at codon 307 of the IGHMBP2 protein (p.Asn307His). The asparagine residue is weakly conserved and there is a small physicochemical difference between asparagine and histidine. This variant is present in population databases (rs758520241, ExAC 0.009%). This variant has not been reported in the literature in individuals affected with IGHMBP2-related conditions. Algorithms developed to predict the effect of missense changes on protein structure and function (SIFT, PolyPhen-2, Align-GVGD) all suggest that this variant is likely to be tolerated. In summary, the available evidence is currently insufficient to determine the role of this variant in disease. Therefore, it has been classified as a Variant of Uncertain Significance.

Ambry Genetics
Classification: Uncertain significance for Inborn genetic diseases. Last evaluated: 2020-03-06. Review status: criteria provided, single submitter. Criteria: Ambry Variant Classification Scheme 2023. Collection method: clinical testing. Allele origin: germline.
Comment: The p.N307H variant (also known as c.919A>C), located in coding exon 7 of the IGHMBP2 gene, results from an A to C substitution at nucleotide position 919. The asparagine at codon 307 is replaced by histidine, an amino acid with similar properties. This amino acid position is not well conserved in available vertebrate species. In addition, this alteration is predicted to be tolerated by in silico analysis. Since supporting evidence is limited at this time, the clinical significance of this alteration remains unclear.

NM_002180.3(IGHMBP2):c.919A>C (p.Asn307His)

Gene: IGHMBP2 (immunoglobulin mu DNA binding protein 2; plus strand). Cytogenetic location: 11q13.3.
Variant type: single nucleotide variant.
Coding change: c.919A>C on transcript NM_002180.3 (MANE Select); coding-DNA position 919, A replaced by C.
Protein change: p.Asn307His; replaces asparagine 307 with histidine.
Molecular consequence: missense variant.
Genome position (GRCh38, 1-based): chr11:68,917,742, A>C. VCF-style: chr11-68917742-A-C. GRCh37 (hg19) VCF-style: chr11-68685210-A-C.
Other names: short protein forms N307H.
Identifiers: ClinVar variation 944669 (VCV000944669.9), dbSNP rs758520241, ClinGen allele CA6153452.